The following is an entry in ClinVar:

ClinVar aggregate classification (germline): Uncertain significance (1 of 4 stars; one submission).

Conditions:
Pancreatic adenocarcinoma. Identifiers: MedGen C0281361, MONDO:0006047, HP:0006725.

Submission:

Labcorp Genetics (formerly Invitae), Labcorp
Classification: Uncertain significance for Pancreatic adenocarcinoma. Last evaluated: 2020-07-16. Review status: criteria provided, single submitter. Criteria: Invitae Variant Classification Sherloc (09022015). Collection method: clinical testing. Allele origin: germline.
Comment: In summary, the available evidence is currently insufficient to determine the role of this variant in disease. Therefore, it has been classified as a Variant of Uncertain Significance. This sequence change creates a premature translational stop signal (p.Ala11Profs*170) in the PALLD gene. It is expected to result in an absent or disrupted protein product. The frequency data for this variant in the population databases is considered unreliable, as metrics indicate insufficient coverage at this position in the ExAC database. This variant has not been reported in the literature in individuals with PALLD-related conditions. The current clinical and genetic evidence is not sufficient to establish whether loss-of-function variants in PALLD cause disease.

NM_001166108.2(PALLD):c.1965-13001del

Gene: PALLD (palladin, cytoskeletal associated protein; plus strand). Cytogenetic location: 4q32.3.
Variant type: Deletion.
Coding change: c.1965-13001del on transcript NM_001166108.2 (MANE Select); 13001 bases into the intron before coding-DNA position 1965, one base deleted (C; older notation c.1965-13001delC).
Molecular consequence: intron variant. On other transcripts: frameshift variant (1).
Genome position (GRCh38, 1-based): chr4:168,877,921, C deleted; the last of 5 consecutive C bases (chr4:168,877,917-168,877,921); deleting any one gives the same sequence. VCF-style (leftmost placement, unchanged base first): chr4-168877916-GC-G. GRCh37 (hg19) VCF-style: chr4-169799067-GC-G.
Other names: c.30del, p.Ala11fs (NM_001166110.2); c.1965-13001del (NM_016081.4); c.819-13001del (NM_001166109.2); c.-157-13001del (NM_001367570.1, NM_001367568.1, NM_001367567.1 and 1 more transcripts); short protein forms A11fs.
Identifiers: ClinVar variation 1025078 (VCV001025078.6), dbSNP rs1751995307, ClinGen allele CA556453420.